The following is an entry in ClinVar:

ClinVar aggregate classification (germline): Uncertain significance. Review status: criteria provided, multiple submitters, no conflicts (2 of 4 stars). 2 submissions from 2 submitters: Uncertain significance (2). Last evaluated 2025-10-22.

Conditions:
Familial hemophagocytic lymphohistiocytosis 2 (FHL2). Also called: PRF1-Related Familial Hemophagocytic Lymphohistiocytosis (PRF1-fHLH). Identifiers: Orphanet 540, MedGen C1863727, MONDO:0011337, OMIM 603553.

Submissions (2):

Labcorp Genetics (formerly Invitae), Labcorp
Classification: Uncertain significance for Familial hemophagocytic lymphohistiocytosis 2. Last evaluated: 2025-10-22. Review status: criteria provided, single submitter. Criteria: Invitae Variant Classification Sherloc (09022015). Collection method: clinical testing. Allele origin: germline.
Comment: This sequence change replaces leucine, which is neutral and non-polar, with proline, which is neutral and non-polar, at codon 314 of the PRF1 protein (p.Leu314Pro). This variant is not present in population databases (gnomAD no frequency). This variant has not been reported in the literature in individuals affected with PRF1-related conditions. ClinVar contains an entry for this variant (Variation ID: 300330). Invitae Evidence Modeling of protein sequence and biophysical properties (such as structural, functional, and spatial information, amino acid conservation, physicochemical variation, residue mobility, and thermodynamic stability) indicates that this missense variant is expected to disrupt PRF1 protein function with a positive predictive value of 95%. In summary, the available evidence is currently insufficient to determine the role of this variant in disease. Therefore, it has been classified as a Variant of Uncertain Significance.

Illumina Laboratory Services, Illumina
Classification: Uncertain significance for Familial hemophagocytic lymphohistiocytosis 2. Last evaluated: 2018-01-13. Review status: criteria provided, single submitter. Criteria: ICSL Variant Classification Criteria 13 December 2019. Collection method: clinical testing. Allele origin: germline.

NM_001083116.3(PRF1):c.941T>C (p.Leu314Pro)

Gene: PRF1 (perforin 1; minus strand). Cytogenetic location: 10q22.1.
Variant type: single nucleotide variant.
Coding change: c.941T>C on transcript NM_001083116.3 (MANE Select); coding-DNA position 941, T replaced by C.
Protein change: p.Leu314Pro; replaces leucine 314 with proline.
Molecular consequence: missense variant.
Genome position (GRCh38, 1-based): chr10:70,598,780, A>G on the plus strand (T>C on the coding strand, the complement: PRF1 is on the minus strand). VCF-style: chr10-70598780-A-G. GRCh37 (hg19) VCF-style: chr10-72358536-A-G.
Other names: c.941T>C, p.Leu314Pro (NM_005041.6); short protein forms L314P.
Identifiers: ClinVar variation 300330 (VCV000300330.10), dbSNP rs886047109, ClinGen allele CA10628765.
Genomic context (GRCh38, chr10:70,598,780, plus strand): 5'-CCGGGCAGCGAGTTTACCCAGGCTGAGTACTGCTCGGGCCCGGCCTGGATCCCGAACAGC[A>G]GGTCGTTAATGGAGGTGTGATGGCCGCCAACCACTTCCGAGTGGCGCTCCCGGTAGGTTT-3'
Protein context (NP_001076585.1, residues 304-324): VGGHHTSIND[Leu314Pro]LFGIQAGPEQ